The following is an entry in ClinVar:

NM_000218.3(KCNQ1):c.1863_1877dup (p.Gly626_Ser627insGlySerThrProGly)

Genes: KCNQ1 (potassium voltage-gated channel subfamily Q member 1; plus strand), KCNQ1-AS1 (KCNQ1 antisense RNA 1; minus strand). Cytogenetic location: 11p15.4.
Variant type: Duplication.
Coding change: c.1863_1877dup on transcript NM_000218.3 (MANE Select); coding-DNA positions 1863 to 1877, 15 bases duplicated (TGGCAGCACCCCCGG).
Protein change: p.Gly626_Ser627insGlySerThrProGly.
Molecular consequence: inframe insertion. On other transcripts: inframe indel (5).
Genome position (GRCh38, 1-based): chr11:2,847,835-2,847,849, TGGCAGCACCCCCGG duplicated; duplicating any 15 consecutive bases within chr11:2,847,832-2,847,849 gives the same sequence; the c. name uses the placement nearest the transcript's 3' end. VCF-style (leftmost placement, unchanged base first): chr11-2847831-A-ACGGTGGCAGCACCCC. GRCh37 (hg19) VCF-style: chr11-2869061-A-ACGGTGGCAGCACCCC.
Other names: c.1767_1781dup, p.Gly594_Ser595insGlySerThrProGly (NM_001406836.1); c.1593_1607dup, p.Gly536_Ser537insGlySerThrProGly (NM_001406837.1); c.1323_1337dup, p.Gly446_Ser447insGlySerThrProGly (NM_001406838.1); c.375_389dup, p.Gly130_Ser131insGlySerThrProGly (NM_001406839.1); c.1482_1496dup, p.Gly499_Ser500insGlySerThrProGly (NM_181798.2).
Identifiers: ClinVar variation 1332575 (VCV001332575.5), dbSNP rs2134096959, ClinGen allele CA2573053485.

ClinVar aggregate classification (germline): Uncertain significance (1 of 4 stars; one submission).

Conditions:
Cardiac arrhythmia. Also called: Arrhythmia; Cardiac rhythm disease. Identifiers: MedGen C0003811, MONDO:0007263, HP:0011675.

Submission:

Color Diagnostics, LLC DBA Color Health
Classification: Uncertain significance for Cardiac arrhythmia. Last evaluated: 2021-03-02. Review status: criteria provided, single submitter. Criteria: ACMG Guidelines, 2015. Collection method: clinical testing. Allele origin: germline.
Comment: This variant causes an in-frame duplication of 5 amino acids of the KCNQ1 protein. To our knowledge, functional studies have not been reported for this variant. This variant has not been reported in individuals affected with cardiovascular disorders in the literature. This variant has not been identified in the general population by the Genome Aggregation Database (gnomAD). The available evidence is insufficient to determine the role of this variant in disease conclusively. Therefore, this variant is classified as a Variant of Uncertain Significance.